The following is an entry in ClinVar:

ClinVar aggregate classification (germline): Uncertain significance. Review status: criteria provided, multiple submitters, no conflicts (2 of 4 stars). 3 submissions from 3 submitters: Uncertain significance (3). Last evaluated 2025-05-17.

Conditions:
Inborn genetic diseases. Identifiers: MedGen C0950123, MeSH D030342.

Allele frequency attached by ClinVar (database versions not stated): gnomAD 0.00003; gnomAD exomes 0.00003; TOPMed 0.00003; ExAC 0.00004.
gnomAD v4.1: 52 of 1,613,992 alleles (0.0032%); highest among the groups gnomAD compares: Middle Eastern, 0.033%; no homozygotes.

Submissions (3):

Ambry Genetics
Classification: Uncertain significance for Inborn genetic diseases. Last evaluated: 2025-05-17. Review status: criteria provided, single submitter. Criteria: Ambry Variant Classification Scheme 2023. Collection method: clinical testing. Allele origin: germline.

Blueprint Genetics
Classification: Uncertain significance. Last evaluated: 2024-09-25. Review status: criteria provided, single submitter. Criteria: ACMG Guidelines, 2015. Collection method: clinical testing. Allele origin: germline.

Labcorp Genetics (formerly Invitae), Labcorp
Classification: Uncertain significance. Last evaluated: 2022-09-27. Review status: criteria provided, single submitter. Criteria: Invitae Variant Classification Sherloc (09022015). Collection method: clinical testing. Allele origin: germline.
Comment: In summary, the available evidence is currently insufficient to determine the role of this variant in disease. Therefore, it has been classified as a Variant of Uncertain Significance. Advanced modeling of protein sequence and biophysical properties (such as structural, functional, and spatial information, amino acid conservation, physicochemical variation, residue mobility, and thermodynamic stability) has been performed at Invitae for this missense variant, however the output from this modeling did not meet the statistical confidence thresholds required to predict the impact of this variant on VPS13D protein function. This variant has not been reported in the literature in individuals affected with VPS13D-related conditions. This variant is present in population databases (rs749131745, gnomAD 0.01%). This sequence change replaces serine, which is neutral and polar, with leucine, which is neutral and non-polar, at codon 1093 of the VPS13D protein (p.Ser1093Leu).

NM_015378.4(VPS13D):c.3278C>T (p.Ser1093Leu)

Gene: VPS13D (vacuolar protein sorting 13 homolog D; plus strand). Cytogenetic location: 1p36.22.
Variant type: single nucleotide variant.
Coding change: c.3278C>T on transcript NM_015378.4 (MANE Select); coding-DNA position 3278, C replaced by T.
Protein change: p.Ser1093Leu; replaces serine 1093 with leucine.
Molecular consequence: missense variant.
Genome position (GRCh38, 1-based): chr1:12,276,866, C>T. VCF-style: chr1-12276866-C-T. GRCh37 (hg19) VCF-style: chr1-12336923-C-T.
Other names: c.3278C>T, p.Ser1093Leu (NM_018156.4); c.3278C>T (NM_015378.2); short protein forms S1093L.
Identifiers: ClinVar variation 2046259 (VCV002046259.7), dbSNP rs749131745, ClinGen allele CA601956.
Genomic context (GRCh38, chr1:12,276,866, plus strand): 5'-CCAAAGAGCAAGAGTCCCTTATTAAGTTGGAATATCAGTTTGTGAGTTCAGAGTGCCCAT[C>T]GATGAATTTAGACAGTACTCTTCAGGTGATTTCCCTACAGGTGAATAATTTAGATATTAT-3'
Protein context (NP_056193.2, residues 1083-1103): EYQFVSSECP[Ser1093Leu]MNLDSTLQVI